The following is an entry in ClinVar:

NM_022168.4(IFIH1):c.2183G>T (p.Arg728Leu)

Gene: IFIH1 (interferon induced with helicase C domain 1; minus strand). Cytogenetic location: 2q24.2.
Variant type: single nucleotide variant.
Coding change: c.2183G>T on transcript NM_022168.4 (MANE Select); coding-DNA position 2183, G replaced by T.
Protein change: p.Arg728Leu; replaces arginine 728 with leucine.
Molecular consequence: missense variant.
Genome position (GRCh38, 1-based): chr2:162,276,808, C>A on the plus strand (G>T on the coding strand, the complement: IFIH1 is on the minus strand). VCF-style: chr2-162276808-C-A. GRCh37 (hg19) VCF-style: chr2-163133318-C-A.
Other names: short protein forms R728L.
Identifiers: ClinVar variation 3750345 (VCV003750345.2).

ClinVar aggregate classification (germline): Uncertain significance (1 of 4 stars; one submission).

Conditions:
Aicardi-Goutieres syndrome 7 (AGS7). Identifiers: Orphanet 51, MedGen C3888244, MONDO:0014367, OMIM 615846.
Singleton-Merten syndrome 1 (SGMRT1). Also called: Widened medullary cavities of bone, aortic calcification, abnormal dentition, and muscular weakness; Syndrome of widened medullary cavities of the metacarpals and phalanges, aortic calcification and abnormal dentition. Identifiers: Orphanet 85191, MedGen C4225427, MONDO:0024535, OMIM 182250.

Submission:

Labcorp Genetics (formerly Invitae), Labcorp
Classification: Uncertain significance for Aicardi-Goutieres syndrome 7; Singleton-Merten syndrome 1. Last evaluated: 2024-02-25. Review status: criteria provided, single submitter. Criteria: Invitae Variant Classification Sherloc (09022015). Collection method: clinical testing. Allele origin: germline.
Comment: This sequence change replaces arginine, which is basic and polar, with leucine, which is neutral and non-polar, at codon 728 of the IFIH1 protein (p.Arg728Leu). This variant is not present in population databases (gnomAD no frequency). This variant has not been reported in the literature in individuals affected with IFIH1-related conditions. Advanced modeling of protein sequence and biophysical properties (such as structural, functional, and spatial information, amino acid conservation, physicochemical variation, residue mobility, and thermodynamic stability) has been performed at Invitae for this missense variant, however the output from this modeling did not meet the statistical confidence thresholds required to predict the impact of this variant on IFIH1 protein function. In summary, the available evidence is currently insufficient to determine the role of this variant in disease. Therefore, it has been classified as a Variant of Uncertain Significance.